The following is an entry in ClinVar:

NM_014946.4(SPAST):c.1808C>T (p.Ala603Val)

Gene: SPAST (spastin; plus strand). Cytogenetic location: 2p22.3.
Variant type: single nucleotide variant.
Coding change: c.1808C>T on transcript NM_014946.4 (MANE Select); coding-DNA position 1808, C replaced by T.
Protein change: p.Ala603Val; replaces alanine 603 with valine.
Molecular consequence: missense variant. On other transcripts: 3 prime UTR variant (1).
Genome position (GRCh38, 1-based): chr2:32,154,453, C>T. VCF-style: chr2-32154453-C-T. GRCh37 (hg19) VCF-style: chr2-32379522-C-T.
Other names: c.*81C>T (NM_001377959.1); c.1712C>T, p.Ala571Val (NM_199436.2); c.1805C>T, p.Ala602Val (NM_001363823.2); c.1709C>T, p.Ala570Val (NM_001363875.2); short protein forms A570V, A571V, A602V, A603V.
Identifiers: ClinVar variation 989162 (VCV000989162.11), dbSNP rs368801051, ClinGen allele CA44763514.

ClinVar aggregate classification (germline): Uncertain significance. Review status: criteria provided, multiple submitters, no conflicts (2 of 4 stars). 4 submissions from 4 submitters: Uncertain significance (4). Last evaluated 2026-08-17.

Conditions:
Spastic paraplegia. Identifiers: MedGen C0037772, HP:0001258.
Hereditary spastic paraplegia 4. Also called: Spastic paraplegia 4, autosomal dominant; Spastic Paraplegia 4; Familial spastic paraplegia autosomal dominant 2. Identifiers: Orphanet 100985, MedGen C1866855, MONDO:0008438, OMIM 182601.
Inborn genetic diseases. Identifiers: MedGen C0950123, MeSH D030342.

Allele frequency attached by ClinVar (database versions not stated): gnomAD 0.00003 and 0.00004; TOPMed 0.00005; gnomAD exomes 0.00002; ESP Exome Variant Server 0.00008.
gnomAD v4.1: 41 of 1,612,404 alleles (0.0025%); highest among the groups gnomAD compares: Admixed American, 0.0033%; no homozygotes.

Submissions (4):

Ambry Genetics
Classification: Uncertain significance for Inborn genetic diseases. Last evaluated: 2026-08-17. Review status: criteria provided, single submitter. Criteria: Ambry Variant Classification Scheme 2023. Collection method: clinical testing. Allele origin: germline.
Comment: The c.1808C>T (p.A603V) alteration is located in exon 17 (coding exon 17) of the SPAST gene. This alteration results from a C to T substitution at nucleotide position 1808, causing the alanine (A) at amino acid position 603 to be replaced by a valine (V). Based on data from gnomAD, the T allele has an overall frequency of 0.002% (4/251098) total alleles studied. The highest observed frequency was 0.0062% (1/16234) of African alleles. This amino acid position is well conserved in available vertebrate species. The in silico prediction for this alteration is inconclusive. Based on insufficient or conflicting evidence, the clinical significance of this alteration remains unclear.

Labcorp Genetics (formerly Invitae), Labcorp
Classification: Uncertain significance for Hereditary spastic paraplegia 4. Last evaluated: 2025-03-31. Review status: criteria provided, single submitter. Criteria: Invitae Variant Classification Sherloc (09022015). Collection method: clinical testing. Allele origin: germline.
Comment: This sequence change replaces alanine, which is neutral and non-polar, with valine, which is neutral and non-polar, at codon 603 of the SPAST protein (p.Ala603Val). This variant is present in population databases (rs368801051, gnomAD 0.003%). This missense change has been observed in individual(s) with clinical features of hereditary spastic paraplegia (PMID: 34983064). ClinVar contains an entry for this variant (Variation ID: 989162). Invitae Evidence Modeling of protein sequence and biophysical properties (such as structural, functional, and spatial information, amino acid conservation, physicochemical variation, residue mobility, and thermodynamic stability) has been performed for this missense variant. However, the output from this modeling did not meet the statistical confidence thresholds required to predict the impact of this variant on SPAST protein function. In summary, the available evidence is currently insufficient to determine the role of this variant in disease. Therefore, it has been classified as a Variant of Uncertain Significance.

Athena Diagnostics
Classification: Uncertain significance. Last evaluated: 2020-01-15. Review status: criteria provided, single submitter. Criteria: Athena Diagnostics Criteria. Collection method: clinical testing. Allele origin: unknown.

Paris Brain Institute, Inserm - ICM
Classification: Uncertain significance for Spastic paraplegia. Review status: criteria provided, single submitter. Criteria: ACMG Guidelines, 2015. Collection method: clinical testing. Allele origin: unknown. Affected: yes. Observed: 1 variant allele.

Literature cited by the submitters: PubMed 34983064 (cited by Labcorp Genetics (formerly Invitae), Labcorp).